The following is an entry in ClinVar:

NM_012452.3(TNFRSF13B):c.502G>C (p.Gly168Arg)

Gene: TNFRSF13B (TNF receptor superfamily member 13B; minus strand). Cytogenetic location: 17p11.2.
Variant type: single nucleotide variant.
Coding change: c.502G>C on transcript NM_012452.3 (MANE Select); coding-DNA position 502, G replaced by C.
Protein change: p.Gly168Arg; replaces glycine 168 with arginine.
Molecular consequence: missense variant.
Genome position (GRCh38, 1-based): chr17:16,940,455, C>G on the plus strand (G>C on the coding strand, the complement: TNFRSF13B is on the minus strand). VCF-style: chr17-16940455-C-G. GRCh37 (hg19) VCF-style: chr17-16843769-C-G.
Other names: short protein forms G168R.
Identifiers: ClinVar variation 3327495 (VCV003327495.1).
Genomic context (GRCh38, chr17:16,940,455, plus strand): 5'-TCTTGAGGAAGCAGGCCACCGCCACCAGGAAGCAGCAGAGGACGGCACACAGGCAGAGCC[C>G]CAGCGTGCTGTAGACCAGGGCCACCTGATCTGCACTCAGCTTCAGCCCCGGGAGAGCTGC-3'
Protein context (NP_036584.1, residues 158-178): DQVALVYSTL[Gly168Arg]LCLCAVLCCF

ClinVar aggregate classification (germline): Uncertain significance (1 of 4 stars; one submission).

Conditions:
Inborn genetic diseases. Identifiers: MedGen C0950123, MeSH D030342.

Submission:

Ambry Genetics
Classification: Uncertain significance for Inborn genetic diseases. Last evaluated: 2024-05-22. Review status: criteria provided, single submitter. Criteria: Ambry Variant Classification Scheme 2023. Collection method: clinical testing. Allele origin: germline.
Comment: The c.502G>C (p.G168R) alteration is located in exon 4 (coding exon 4) of the TNFRSF13B gene. This alteration results from a G to C substitution at nucleotide position 502, causing the glycine (G) at amino acid position 168 to be replaced by an arginine (R). This variant was not reported in population-based cohorts in the Genome Aggregation Database (gnomAD). This variant has been determined to be in trans with another TNFRSF13B variant in an individual with hypogammaglobulinemia, and inherited from an unaffected parent (Barroeta Seijas, 2012). This amino acid position is highly conserved in available vertebrate species, however, there is limited alignment at this position. This alteration is predicted to be deleterious by in silico analysis. Based on insufficient or conflicting evidence, the clinical significance of this alteration remains unclear.

Literature cited by the submitters: PubMed 22697072.